The following is an entry in ClinVar:

NM_182972.3(IRF2BP2):c.1287C>G (p.Ile429Met)

Gene: IRF2BP2 (interferon regulatory factor 2 binding protein 2; minus strand). Cytogenetic location: 1q42.3.
Variant type: single nucleotide variant.
Coding change: c.1287C>G on transcript NM_182972.3 (MANE Select); coding-DNA position 1287, C replaced by G.
Protein change: p.Ile429Met; replaces isoleucine 429 with methionine.
Molecular consequence: missense variant.
Genome position (GRCh38, 1-based): chr1:234,607,614, G>C on the plus strand (C>G on the coding strand, the complement: IRF2BP2 is on the minus strand). VCF-style: chr1-234607614-G-C. GRCh37 (hg19) VCF-style: chr1-234743360-G-C.
Other names: c.1239C>G, p.Ile413Met (NM_001077397.1); c.1287C>G (NM_182972.2); short protein forms I413M, I429M.
Identifiers: ClinVar variation 1376379 (VCV001376379.7), dbSNP rs749581056, ClinGen allele CA1461601.
Genomic context (GRCh38, chr1:234,607,614, plus strand): 5'-GGAGTGAACCTGGTTGGCATCTTTTGAGGCATGACTGCCCCCTGCATTGTCTGCTACTAA[G>C]ATCAGGGCTGCCATGGGGGACTGGCCATTCTGGGCCGCTTCAGGCGGTGTGGTCCGGTTG-3'
Protein context (NP_892017.2, residues 419-439): QNGQSPMAAL[Ile429Met]LVADNAGGSH

ClinVar aggregate classification (germline): Uncertain significance. Review status: criteria provided, multiple submitters, no conflicts (2 of 4 stars). 2 submissions from 2 submitters: Uncertain significance (2). Last evaluated 2025-10-29.

gnomAD v4.1: 21 of 1,614,248 alleles (0.0013%); highest among the groups gnomAD compares: Non-Finnish European, 0.0018%; no homozygotes.

Submissions (2):

Ambry Genetics
Classification: Uncertain significance. Last evaluated: 2025-10-29. Review status: criteria provided, single submitter. Criteria: Ambry Variant Classification Scheme 2023. Collection method: clinical testing. Allele origin: germline.

Labcorp Genetics (formerly Invitae), Labcorp
Classification: Uncertain significance. Last evaluated: 2024-05-18. Review status: criteria provided, single submitter. Criteria: Invitae Variant Classification Sherloc (09022015). Collection method: clinical testing. Allele origin: germline.
Comment: This sequence change replaces isoleucine, which is neutral and non-polar, with methionine, which is neutral and non-polar, at codon 429 of the IRF2BP2 protein (p.Ile429Met). This variant is present in population databases (rs749581056, gnomAD 0.002%). This variant has not been reported in the literature in individuals affected with IRF2BP2-related conditions. ClinVar contains an entry for this variant (Variation ID: 1376379). An algorithm developed to predict the effect of missense changes on protein structure and function (PolyPhen-2) suggests that this variant is likely to be disruptive. In summary, the available evidence is currently insufficient to determine the role of this variant in disease. Therefore, it has been classified as a Variant of Uncertain Significance.